The following is an entry in ClinVar:

NM_006245.4(PPP2R5D):c.1549_1550insAAA (p.Pro517delinsGlnThr)

Gene: PPP2R5D (protein phosphatase 2 regulatory subunit B'delta; plus strand). Cytogenetic location: 6p21.1.
Variant type: Insertion.
Coding change: c.1549_1550insAAA on transcript NM_006245.4 (MANE Select); coding-DNA positions 1549 to 1550, AAA inserted.
Protein change: p.Pro517delinsGlnThr.
Molecular consequence: inframe indel.
Genome position: GRCh38 VCF-style: chr6-43010731-C-CAAA. GRCh37 (hg19) VCF-style: chr6-42978469-C-CAAA.
Other names: c.1096_1097insAAA, p.Pro366delinsGlnThr (NM_001270476.2); c.1453_1454insAAA, p.Pro485delinsGlnThr (NM_180976.3); c.1231_1232insAAA, p.Pro411delinsGlnThr (NM_180977.3).
Identifiers: ClinVar variation 2709339 (VCV002709339.3), dbSNP rs2532490822, ClinGen allele CA2697553385.

ClinVar aggregate classification (germline): Uncertain significance (1 of 4 stars; one submission).

Submission:

Labcorp Genetics (formerly Invitae), Labcorp
Classification: Uncertain significance. Last evaluated: 2024-03-20. Review status: criteria provided, single submitter. Criteria: Invitae Variant Classification Sherloc (09022015). Collection method: clinical testing. Allele origin: germline.
Comment: This variant, c.1549_1550insAAA, is a complex sequence change that results in the deletion of 1 and insertion of 2 amino acid(s) in the PPP2R5D protein (p.Pro517delinsGlnThr). This variant is not present in population databases (gnomAD no frequency). This variant has not been reported in the literature in individuals affected with PPP2R5D-related conditions. Experimental studies and prediction algorithms are not available or were not evaluated, and the functional significance of this variant is currently unknown. In summary, the available evidence is currently insufficient to determine the role of this variant in disease. Therefore, it has been classified as a Variant of Uncertain Significance.